The following is an entry in ClinVar:

ClinVar aggregate classification (germline): Uncertain significance. Review status: criteria provided, multiple submitters, no conflicts (2 of 4 stars). 3 submissions from 3 submitters: Uncertain significance (3). Last evaluated 2026-06-01.

Conditions:
Cardiovascular phenotype. Identifiers: MedGen CN230736.

Allele frequency attached by ClinVar (database versions not stated): gnomAD 0.00001.

Submissions (3):

CeGaT Center for Human Genetics Tuebingen
Classification: Uncertain significance. Last evaluated: 2026-06-01. Review status: criteria provided, single submitter. Criteria: CeGaT Center For Human Genetics Tuebingen Variant Classification Criteria Version 2. Collection method: clinical testing. Allele origin: germline. Affected: yes. Observed: 1 variant allele.
Comment: DES: PM2

Ambry Genetics
Classification: Uncertain significance for Cardiovascular phenotype. Last evaluated: 2024-09-11. Review status: criteria provided, single submitter. Criteria: Ambry Variant Classification Scheme 2023. Collection method: clinical testing. Allele origin: germline.
Comment: The p.E147K variant (also known as c.439G>A), located in coding exon 1 of the DES gene, results from a G to A substitution at nucleotide position 439. The glutamic acid at codon 147 is replaced by lysine, an amino acid with similar properties. This amino acid position is highly conserved in available vertebrate species. In addition, the in silico prediction for this alteration is inconclusive. Since supporting evidence is limited at this time, the clinical significance of this alteration remains unclear.

Women's Health and Genetics/Laboratory Corporation of America, LabCorp
Classification: Uncertain significance. Last evaluated: 2023-08-19. Review status: criteria provided, single submitter. Criteria: LabCorp Variant Classification Summary - May 2015. Collection method: clinical testing. Allele origin: germline.

NM_001927.4(DES):c.439G>A (p.Glu147Lys)

Gene: DES (desmin; plus strand). Cytogenetic location: 2q35.
Variant type: single nucleotide variant.
Coding change: c.439G>A on transcript NM_001927.4 (MANE Select); coding-DNA position 439, G replaced by A.
Protein change: p.Glu147Lys; replaces glutamic acid 147 with lysine.
Molecular consequence: missense variant.
Genome position (GRCh38, 1-based): chr2:219,418,901, G>A. VCF-style: chr2-219418901-G-A. GRCh37 (hg19) VCF-style: chr2-220283623-G-A.
Other names: c.439G>A, p.Glu147Lys (NM_001382708.1, NM_001382709.1, NM_001382710.1 and 3 more transcripts); short protein forms E147K.
Identifiers: ClinVar variation 1740290 (VCV001740290.6), dbSNP rs1954376718, ClinGen allele CA350686210.